The following is an entry in ClinVar:

ClinVar aggregate classification (germline): Likely pathogenic (1 of 4 stars; one submission).

gnomAD v4.1: 1 of 1,613,898 alleles (0.000062%); highest among the groups gnomAD compares: Non-Finnish European, 0.000085%; no homozygotes.

Submission:

Labcorp Genetics (formerly Invitae), Labcorp
Classification: Likely pathogenic. Last evaluated: 2021-05-05. Review status: criteria provided, single submitter. Criteria: Invitae Variant Classification Sherloc (09022015). Collection method: clinical testing. Allele origin: germline.
Comment: Algorithms developed to predict the effect of sequence changes on RNA splicing suggest that this variant may disrupt the consensus splice site, but this prediction has not been confirmed by published transcriptional studies. This variant has been observed in individual(s) with erythropoietic protoporphyria (EPP) (Invitae). This variant is not present in population databases (ExAC no frequency). This sequence change affects a donor splice site in intron 4 of the FECH gene. It is expected to disrupt RNA splicing. Variants that disrupt the donor or acceptor splice site typically lead to a loss of protein function (PMID: 16199547), and loss-of-function variants in FECH are known to be pathogenic (PMID: 20105171, 23016163, 23364466). In summary, the currently available evidence indicates that the variant is pathogenic, but additional data are needed to prove that conclusively. Therefore, this variant has been classified as Likely Pathogenic.

Literature cited by the submitters: PubMed 16199547; PubMed 20105171; PubMed 23016163; PubMed 23364466.

NM_000140.5(FECH):c.463+1G>T

Gene: FECH (ferrochelatase; minus strand). Cytogenetic location: 18q21.31.
Variant type: single nucleotide variant.
Coding change: c.463+1G>T on transcript NM_000140.5 (MANE Select); the canonical splice donor site of the intron after coding-DNA position 463, G replaced by T.
Molecular consequence: splice donor variant.
Genome position (GRCh38, 1-based): chr18:57,571,391, C>A on the plus strand (G>T on the coding strand, the complement: FECH is on the minus strand). VCF-style: chr18-57571391-C-A. GRCh37 (hg19) VCF-style: chr18-55238623-C-A.
Other names: c.463+1G>T (NM_001371094.1, NM_001374778.1); c.481+1G>T (NM_001012515.4); c.247+1G>T (NM_001371095.1).
Identifiers: ClinVar variation 1508273 (VCV001508273.8), dbSNP rs1206108637, ClinGen allele CA402536459.